The following is an entry in ClinVar:

NM_001379500.1(COL18A1):c.1701+7G>A

Gene: COL18A1 (collagen type XVIII alpha 1 chain; plus strand). Cytogenetic location: 21q22.3.
Variant type: single nucleotide variant.
Coding change: c.1701+7G>A on transcript NM_001379500.1 (MANE Select); 7 bases into the intron after coding-DNA position 1701, G replaced by A.
Molecular consequence: intron variant.
Genome position (GRCh38, 1-based): chr21:45,482,828, G>A. VCF-style: chr21-45482828-G-A. GRCh37 (hg19) VCF-style: chr21-46902742-G-A.
Other names: c.2946+7G>A (NM_130444.3); c.2241+7G>A (NM_030582.4, NM_030582.3).
Identifiers: ClinVar variation 1581555 (VCV001581555.31), dbSNP rs755676795, ClinGen allele CA10066514.

ClinVar aggregate classification (germline): Likely benign. Review status: criteria provided, multiple submitters, no conflicts (2 of 4 stars). 4 submissions from 4 submitters: Likely benign (4). Last evaluated 2026-01-22.

Conditions:
COL18A1-related disorder. Also called: COL18A1-related disorders; COL18A1-related condition.

Allele frequency attached by ClinVar (database versions not stated): ExAC 0.00001; gnomAD exomes 0.00003 and 0.00004; TOPMed 0.00005; gnomAD 0.00006 and 0.00007.
gnomAD v4.1: 54 of 1,614,188 alleles (0.0033%); highest among the groups gnomAD compares: Non-Finnish European, 0.0041%; no homozygotes.

Submissions (4):

Labcorp Genetics (formerly Invitae), Labcorp
Classification: Likely benign. Last evaluated: 2026-01-22. Review status: criteria provided, single submitter. Criteria: Invitae Variant Classification Sherloc (09022015). Collection method: clinical testing. Allele origin: germline.

CeGaT Center for Human Genetics Tuebingen
Classification: Likely benign. Last evaluated: 2026-01-01. Review status: criteria provided, single submitter. Criteria: CeGaT Center For Human Genetics Tuebingen Variant Classification Criteria Version 2. Collection method: clinical testing. Allele origin: germline. Affected: yes. Observed: 2 variant alleles.
Comment: COL18A1: BP4

PreventionGenetics, part of Exact Sciences
Classification: Likely benign for COL18A1-related condition. Last evaluated: 2025-12-26. Review status: criteria provided, single submitter. Criteria: ACMG Guidelines, 2015. Collection method: clinical testing. Allele origin: germline.
Comment: This variant is classified as likely benign based on ACMG/AMP sequence variant interpretation guidelines (Richards et al. 2015 PMID: 25741868, with internal and published modifications).

Blueprint Genetics
Classification: Likely benign. Last evaluated: 2024-10-15. Review status: criteria provided, single submitter. Criteria: ACMG Guidelines, 2015. Collection method: clinical testing. Allele origin: germline.